The following is an entry in ClinVar:

ClinVar aggregate classification (germline): Pathogenic (1 of 4 stars; one submission).

Submission:

Labcorp Genetics (formerly Invitae), Labcorp
Classification: Pathogenic. Last evaluated: 2024-03-27. Review status: criteria provided, single submitter. Criteria: Invitae Variant Classification Sherloc (09022015). Collection method: clinical testing. Allele origin: germline.
Comment: This sequence change creates a premature translational stop signal (p.Arg92Profs*46) in the TCIRG1 gene. It is expected to result in an absent or disrupted protein product. Loss-of-function variants in TCIRG1 are known to be pathogenic (PMID: 10888887, 10942435, 11532986, 19448635). This variant is not present in population databases (gnomAD no frequency). This variant has not been reported in the literature in individuals affected with TCIRG1-related conditions. For these reasons, this variant has been classified as Pathogenic.

Literature cited by the submitters: PubMed 10888887; PubMed 10942435; PubMed 11532986; PubMed 19448635.

NM_006019.4(TCIRG1):c.274dup (p.Arg92fs)

Gene: TCIRG1 (T cell immune regulator 1, ATPase H+ transporting V0 subunit a3; plus strand). Cytogenetic location: 11q13.2.
Variant type: Duplication.
Coding change: c.274dup on transcript NM_006019.4 (MANE Select); coding-DNA position 274, one base duplicated (C; older notation c.274dupC).
Protein change: p.Arg92fs; shifts the reading frame from arginine 92.
Molecular consequence: frameshift variant. On other transcripts: 5 prime UTR variant (1).
Genome position (GRCh38, 1-based): chr11:68,042,720, C duplicated; the last of 4 consecutive C bases (chr11:68,042,717-68,042,720); duplicating any one gives the same sequence. VCF-style (leftmost placement, unchanged base first): chr11-68042716-A-AC. GRCh37 (hg19) VCF-style: chr11-67810183-A-AC.
Other names: c.-976dup (NM_001351059.2); short protein forms R92fs.
Identifiers: ClinVar variation 3640732 (VCV003640732.2).